The following is an entry in ClinVar:

ClinVar aggregate classification (germline): Pathogenic. Review status: criteria provided, multiple submitters, no conflicts (2 of 4 stars). 2 submissions from 2 submitters: Pathogenic (2). Last evaluated 2024-11-05.

Conditions:
RLBP1-related disorder. Also called: RLBP1-related condition; RLBP1-related disorders. Identifiers: MedGen CN239413.

Allele frequency attached by ClinVar (database versions not stated): gnomAD exomes below 0.00001; gnomAD 0.00001; TOPMed 0.00001; ExAC 0.00002.
gnomAD v4.1: 4 of 1,613,864 alleles (0.00025%); highest among the groups gnomAD compares: Non-Finnish European, 0.00034%; no homozygotes.

Submissions (2):

Blueprint Genetics
Classification: Pathogenic for RLBP1-related disorders. Last evaluated: 2024-11-05. Review status: criteria provided, single submitter. Criteria: ACMG Guidelines, 2015. Collection method: clinical testing. Allele origin: germline. Affected: yes. Observed: 5 variant alleles.

Labcorp Genetics (formerly Invitae), Labcorp
Classification: Pathogenic. Last evaluated: 2023-03-22. Review status: criteria provided, single submitter. Criteria: Invitae Variant Classification Sherloc (09022015). Collection method: clinical testing. Allele origin: germline.
Comment: This sequence change creates a premature translational stop signal (p.Tyr111*) in the RLBP1 gene. It is expected to result in an absent or disrupted protein product. Loss-of-function variants in RLBP1 are known to be pathogenic (PMID: 2392416, 11301032, 21447491, 25429852). This variant is present in population databases (rs766675673, gnomAD 0.002%). This premature translational stop signal has been observed in individual(s) with retinitis punctata albescens (PMID: 23929416). In at least one individual the data is consistent with being in trans (on the opposite chromosome) from a pathogenic variant. It has also been observed to segregate with disease in related individuals. ClinVar contains an entry for this variant (Variation ID: 866938). For these reasons, this variant has been classified as Pathogenic.

Literature cited by the submitters: PubMed 2392416 (cited by Labcorp Genetics (formerly Invitae), Labcorp); PubMed 11301032 (cited by Labcorp Genetics (formerly Invitae), Labcorp); PubMed 21447491 (cited by Labcorp Genetics (formerly Invitae), Labcorp); PubMed 25429852 (cited by Labcorp Genetics (formerly Invitae), Labcorp); PubMed 23929416 (cited by Labcorp Genetics (formerly Invitae), Labcorp).

NM_000326.5(RLBP1):c.333T>G (p.Tyr111Ter)

Gene: RLBP1 (retinaldehyde binding protein 1; minus strand). Cytogenetic location: 15q26.1.
Variant type: single nucleotide variant.
Coding change: c.333T>G on transcript NM_000326.5 (MANE Select); coding-DNA position 333, T replaced by G.
Protein change: p.Tyr111Ter; replaces tyrosine 111 with a stop codon.
Molecular consequence: nonsense.
Genome position (GRCh38, 1-based): chr15:89,217,133, A>C on the plus strand (T>G on the coding strand, the complement: RLBP1 is on the minus strand). VCF-style: chr15-89217133-A-C. GRCh37 (hg19) VCF-style: chr15-89760364-A-C.
Other names: short protein forms Y111*.
Identifiers: ClinVar variation 866938 (VCV000866938.11), dbSNP rs766675673, ClinGen allele CA7722324.